The following is an entry in ClinVar:

NM_001330360.2(POLA1):c.1385A>C (p.Lys462Thr)

Gene: POLA1 (DNA polymerase alpha 1, catalytic subunit; plus strand). Cytogenetic location: Xp22.11.
Variant type: single nucleotide variant.
Coding change: c.1385A>C on transcript NM_001330360.2 (MANE Select); coding-DNA position 1385, A replaced by C.
Protein change: p.Lys462Thr; replaces lysine 462 with threonine.
Molecular consequence: missense variant. On other transcripts: non-coding transcript variant (2), intron variant (1).
Genome position (GRCh38, 1-based): chrX:24,726,048, A>C. VCF-style: chrX-24726048-A-C. GRCh37 (hg19) VCF-style: chrX-24744165-A-C.
Other names: c.1385A>C, p.Lys462Thr (NM_001440806.1); c.1367A>C, p.Lys456Thr (NM_016937.4); c.1318-885A>C (NM_001378303.1); short protein forms K456T, K462T.
Identifiers: ClinVar variation 4085182 (VCV004085182.8).

ClinVar aggregate classification (germline): Uncertain significance (1 of 4 stars; one submission).

Submission:

CeGaT Center for Human Genetics Tuebingen
Classification: Uncertain significance. Last evaluated: 2025-06-01. Review status: criteria provided, single submitter. Criteria: CeGaT Center For Human Genetics Tuebingen Variant Classification Criteria Version 2. Collection method: clinical testing. Allele origin: germline. Affected: yes. Observed: 1 variant allele.
Comment: POLA1: PM2, BP4